The following is an entry in ClinVar:

ClinVar aggregate classification (germline): Conflicting classifications of pathogenicity. Review status: criteria provided, conflicting classifications (1 of 4 stars). 11 submissions from 8 submitters: Uncertain significance (1); Benign (5); Likely benign (3). 2 of the submissions do not count toward it. Last evaluated 2026-01-26.

Conditions:
Retinitis pigmentosa (RP). Identifiers: Orphanet 791, MedGen C0035334, MeSH D012174, MONDO:0019200, OMIM 268000. Inheritance: Autosomal dominant, autosomal recessive and X linked inheritance.
Stargardt disease 4 (STGD4). Identifiers: Orphanet 827, MedGen C1863534, MONDO:0011370, OMIM 603786.
Retinal macular dystrophy type 2 (MCDR2). Also called: Bull's eye macular dystrophy. Identifiers: Orphanet 319640, MedGen C4749334, MONDO:0011957, OMIM 608051.
Cone-rod dystrophy 12 (CORD12). Identifiers: Orphanet 1872, MedGen C2675210, MONDO:0012983, OMIM 612657.
Retinal disorder. Also called: Retinal disorders; Retinopathy; Retinopathies; Retinal Diseases. Identifiers: MedGen C0035309, MONDO:0005283, HP:0000488.

Allele frequency attached by ClinVar (database versions not stated): gnomAD exomes 0.00115; ExAC 0.00144; ESP Exome Variant Server 0.00176; gnomAD 0.00216 and 0.00222; TOPMed 0.00217; 1000 Genomes Project 0.00260; 1000 Genomes Project 30x 0.00312.
gnomAD v4.1: 1,297 of 1,607,488 alleles (0.081%); highest among the groups gnomAD compares: African/African-American, 0.59%; 7 homozygotes.

Submissions (11):

Labcorp Genetics (formerly Invitae), Labcorp
Classification: Benign. Last evaluated: 2026-01-26. Review status: criteria provided, single submitter. Criteria: Invitae Variant Classification Sherloc (09022015). Collection method: clinical testing. Allele origin: germline.

Blueprint Genetics
Classification: Likely benign. Last evaluated: 2024-11-22. Review status: criteria provided, single submitter. Criteria: ACMG Guidelines, 2015. Collection method: clinical testing. Allele origin: germline.

Genetics Laboratory, Great Ormond Street Hospital NHS Foundation Trust, North Thames Genomic Laboratory Hub
Classification: Benign for Retinal disorders. Last evaluated: 2024-08-23. Review status: criteria provided, single submitter. Criteria: ACGS Best Practice Guidelines for Variant Classification in Rare Disease 2024 v1.2. Collection method: clinical testing. Allele origin: germline. Affected: yes.
Comment: BS2_strong, BP7_strong

CeGaT Center for Human Genetics Tuebingen
Classification: Likely benign. Last evaluated: 2022-09-01. Review status: criteria provided, single submitter. Criteria: CeGaT Center For Human Genetics Tuebingen Variant Classification Criteria Version 2. Collection method: clinical testing. Allele origin: germline. Affected: yes. Observed: 1 variant allele.
Comment: PROM1: BP4, BP7

Illumina Laboratory Services, Illumina
Classification: Benign for Stargardt disease 4. Last evaluated: 2018-01-12. Review status: criteria provided, single submitter. Criteria: ICSL Variant Classification Criteria 13 December 2019. Collection method: clinical testing. Allele origin: germline.
Comment: This variant was observed in the ICSL laboratory as part of a predisposition screen in an ostensibly healthy population. It had not been previously curated by ICSL or reported in the Human Gene Mutation Database (HGMD: prior to June 1st, 2018), and was therefore a candidate for classification through an automated scoring system. Utilizing variant allele frequency, disease prevalence and penetrance estimates, and inheritance mode, an automated score was calculated to assess if this variant is too frequent to cause the disease. Based on the score and internal cut-off values, a variant classified as benign is not then subjected to further curation. The score for this variant resulted in a classification of benign for this disease.

Illumina Laboratory Services, Illumina
Classification: Uncertain significance for Retinitis pigmentosa. Last evaluated: 2018-01-12. Review status: criteria provided, single submitter. Criteria: ICSL Variant Classification Criteria 13 December 2019. Collection method: clinical testing. Allele origin: germline.

Illumina Laboratory Services, Illumina
Classification: Likely benign for Retinal macular dystrophy type 2. Last evaluated: 2018-01-12. Review status: criteria provided, single submitter. Criteria: ICSL Variant Classification Criteria 13 December 2019. Collection method: clinical testing. Allele origin: germline.
Comment: This variant was observed in the ICSL laboratory as part of a predisposition screen in an ostensibly healthy population. It had not been previously curated by ICSL or reported in the Human Gene Mutation Database (HGMD: prior to June 1st, 2018), and was therefore a candidate for classification through an automated scoring system. Utilizing variant allele frequency, disease prevalence and penetrance estimates, and inheritance mode, an automated score was calculated to assess if this variant is too frequent to cause the disease. Based on the score and internal cut-off values, a variant classified as likely benign is not then subjected to further curation. The score for this variant resulted in a classification of likely benign for this disease.

Illumina Laboratory Services, Illumina
Classification: Benign for Cone-rod dystrophy 12. Last evaluated: 2018-01-12. Review status: criteria provided, single submitter. Criteria: ICSL Variant Classification Criteria 13 December 2019. Collection method: clinical testing. Allele origin: germline.
Comment: the same text as in the submission from Illumina Laboratory Services, Illumina above.

Eurofins Ntd Llc (ga)
Classification: Benign. Last evaluated: 2013-08-14. Review status: criteria provided, single submitter. Criteria: EGL Classification Definitions 2015. Collection method: clinical testing. Allele origin: germline. Observed: 1 variant allele, 1 heterozygote.

Clinical Genetics DNA and cytogenetics Diagnostics Lab, Erasmus MC, Erasmus Medical Center
Classification: Likely benign. Review status: no assertion criteria provided. Collection method: clinical testing. Allele origin: germline. Affected: yes. Study: VKGL Data-share Consensus. Not counted in ClinVar's aggregate classification.

Clinical Genetics, Academic Medical Center
Classification: Likely benign. Review status: no assertion criteria provided. Collection method: clinical testing. Allele origin: germline. Affected: yes. Study: VKGL Data-share Consensus. Not counted in ClinVar's aggregate classification.

NM_006017.3(PROM1):c.1977C>T (p.Asn659=)

Gene: PROM1 (prominin 1; minus strand). Cytogenetic location: 4p15.32.
Variant type: single nucleotide variant.
Coding change: c.1977C>T on transcript NM_006017.3 (MANE Select); coding-DNA position 1977, C replaced by T.
Protein change: p.Asn659=; no amino-acid change (asparagine 659 retained).
Molecular consequence: synonymous variant.
Genome position (GRCh38, 1-based): chr4:15,991,228, G>A on the plus strand (C>T on the coding strand, the complement: PROM1 is on the minus strand). VCF-style: chr4-15991228-G-A. GRCh37 (hg19) VCF-style: chr4-15992851-G-A.
Other names: c.1950C>T, p.Asn650= (NM_001145847.2, NM_001145848.2, NM_001145851.2 and 4 more transcripts); c.1977C>T, p.Asn659= (NM_001145849.2, NM_001145850.2).
Identifiers: ClinVar variation 95329 (VCV000095329.54), dbSNP rs149028760, ClinGen allele CA148434.
Genomic context (GRCh38, chr4:15,991,228, plus strand): 5'-TGACATTTGACATCTACAACTACTACAGTATTTAACCGGACGATTTGAACTCACCAAACT[G>A]TTTGCTTTTGCTTCTAGATCATATGCAAATGATAAAAGATTCACTCCTGCGGGGGATTTA-3'
Protein context (NP_006008.1, residues 649-669): SFAYDLEAKA[Asn659=]SLPPGNLRNS